The following is an entry in ClinVar:

ClinVar aggregate classification (germline): Uncertain significance (1 of 4 stars; one submission).

Conditions:
Catecholaminergic polymorphic ventricular tachycardia (CVPT). Also called: Catecholamine-induced polymorphic ventricular tachycardia. Identifiers: Orphanet 3286, MedGen C5574922, MONDO:0017990.

Submission:

All of Us Research Program, National Institutes of Health
Classification: Uncertain significance for Catecholaminergic polymorphic ventricular tachycardia. Last evaluated: 2023-08-28. Review status: criteria provided, single submitter. Criteria: ACMG Guidelines, 2015. Collection method: clinical testing. Allele origin: germline. Inheritance: Autosomal dominant inheritance. Observed: 1 variant allele, 1 heterozygote.
Comment: This missense variant replaces lysine with asparagine at codon 325 of the RYR2 protein. Computational prediction suggests that this variant may not impact protein structure and function (internally defined REVEL score threshold <= 0.5, PMID: 27666373). To our knowledge, functional studies have not been reported for this variant. This variant has not been reported in individuals affected with RYR2-related disorders in the literature. This variant has not been identified in the general population by the Genome Aggregation Database (gnomAD). The available evidence is insufficient to determine the role of this variant in disease conclusively. Therefore, this variant is classified as a Variant of Uncertain Significance.

This study involves interpretation of variants in research participants for the purpose of population health screening. Participant phenotype was not available at the time of variant classification. Additional details can be found in publication PMID: 35346344, PMCID: PMC8962531

NM_001035.3(RYR2):c.975A>T (p.Lys325Asn)

Gene: RYR2 (ryanodine receptor 2; plus strand). Cytogenetic location: 1q43.
Variant type: single nucleotide variant.
Coding change: c.975A>T on transcript NM_001035.3 (MANE Select); coding-DNA position 975, A replaced by T.
Protein change: p.Lys325Asn; replaces lysine 325 with asparagine.
Molecular consequence: missense variant.
Genome position (GRCh38, 1-based): chr1:237,423,218, A>T. VCF-style: chr1-237423218-A-T. GRCh37 (hg19) VCF-style: chr1-237586518-A-T.
Other names: short protein forms K325N.
Identifiers: ClinVar variation 3073250 (VCV003073250.1), dbSNP rs780702150, ClinGen allele CA345385552.